The following is an entry in ClinVar:

NM_181507.2(HPS5):c.83T>C (p.Leu28Pro)

Gene: HPS5 (HPS5 biogenesis of lysosomal organelles complex 2 subunit 2; minus strand). Cytogenetic location: 11p15.1.
Variant type: single nucleotide variant.
Coding change: c.83T>C on transcript NM_181507.2 (MANE Select); coding-DNA position 83, T replaced by C.
Protein change: p.Leu28Pro; replaces leucine 28 with proline.
Molecular consequence: missense variant. On other transcripts: intron variant (14), 5 prime UTR variant (3).
Genome position (GRCh38, 1-based): chr11:18,317,776, A>G on the plus strand (T>C on the coding strand, the complement: HPS5 is on the minus strand). VCF-style: chr11-18317776-A-G. GRCh37 (hg19) VCF-style: chr11-18339323-A-G.
Other names: c.-124+4357T>C (NM_001440929.1); c.-235+4357T>C (NM_181508.2, NM_001440921.1); c.-124+4301T>C (NM_001440926.1); c.-235+4301T>C (NM_001440925.1, NM_001440920.1); c.-124+4170T>C (NM_001440928.1, NM_001440922.1); c.-235+4170T>C (NM_001440927.1, NM_001440930.1, NM_007216.4 and 2 more transcripts); c.83T>C, p.Leu28Pro (NM_001440902.1, NM_001440903.1, NM_001440904.1 and 9 more transcripts); c.-109T>C (NM_001440907.1, NM_001440908.1, NM_001440918.1); and 1 more; short protein forms L28P.
Identifiers: ClinVar variation 2097515 (VCV002097515.6), dbSNP rs759501156, ClinGen allele CA5910585.
Genomic context (GRCh38, chr11:18,317,776, plus strand): 5'-GAAAATGAAACTGATACAAGGATCAAGAAATTCACCTTTAGACGACTGGAGTCCAGCCGC[A>G]GGGCTGAGAGTAATGGATCCAGAGATTCAAACTCTGCAAGAACATGGCTGTAGGACTCTG-3'
Protein context (NP_852608.1, residues 18-38): FESLDPLLSA[Leu28Pro]RLDSSRLKCT

ClinVar aggregate classification (germline): Uncertain significance. Review status: criteria provided, multiple submitters, no conflicts (2 of 4 stars). 2 submissions from 2 submitters: Uncertain significance (2). Last evaluated 2025-04-28.

Submissions (2):

Women's Health and Genetics/Laboratory Corporation of America, LabCorp
Classification: Uncertain significance. Last evaluated: 2025-04-28. Review status: criteria provided, single submitter. Criteria: LabCorp Variant Classification Summary - May 2015. Collection method: clinical testing. Allele origin: germline.
Comment: Variant summary: HPS5 c.83T>C (p.Leu28Pro) results in a non-conservative amino acid change in the encoded protein sequence. Four of five in-silico tools predict a damaging effect of the variant on protein function. The variant allele was found at a frequency of 4e-06 in 250870 control chromosomes. The available data on variant occurrences in the general population are insufficient to allow any conclusion about variant significance. To our knowledge, no occurrence of c.83T>C in individuals affected with Hermansky-Pudlak Syndrome and no experimental evidence demonstrating its impact on protein function have been reported. ClinVar contains an entry for this variant (Variation ID: 2097515). Based on the evidence outlined above, the variant was classified as uncertain significance.

Labcorp Genetics (formerly Invitae), Labcorp
Classification: Uncertain significance. Last evaluated: 2022-03-30. Review status: criteria provided, single submitter. Criteria: Invitae Variant Classification Sherloc (09022015). Collection method: clinical testing. Allele origin: germline.
Comment: In summary, the available evidence is currently insufficient to determine the role of this variant in disease. Therefore, it has been classified as a Variant of Uncertain Significance. Algorithms developed to predict the effect of missense changes on protein structure and function are either unavailable or do not agree on the potential impact of this missense change (SIFT: "Tolerated"; PolyPhen-2: "Probably Damaging"; Align-GVGD: "Class C0"). This variant has not been reported in the literature in individuals affected with HPS5-related conditions. This variant is present in population databases (rs759501156, gnomAD 0.003%). This sequence change replaces leucine, which is neutral and non-polar, with proline, which is neutral and non-polar, at codon 28 of the HPS5 protein (p.Leu28Pro).